The following is an entry in ClinVar:

NM_004958.4(MTOR):c.3481C>G (p.Arg1161Gly)

Gene: MTOR (mechanistic target of rapamycin kinase; minus strand). Cytogenetic location: 1p36.22.
Variant type: single nucleotide variant.
Coding change: c.3481C>G on transcript NM_004958.4 (MANE Select); coding-DNA position 3481, C replaced by G.
Protein change: p.Arg1161Gly; replaces arginine 1161 with glycine.
Molecular consequence: missense variant.
Genome position (GRCh38, 1-based): chr1:11,212,392, G>C on the plus strand (C>G on the coding strand, the complement: MTOR is on the minus strand). VCF-style: chr1-11212392-G-C. GRCh37 (hg19) VCF-style: chr1-11272449-G-C.
Other names: short protein forms R1161G.
Identifiers: ClinVar variation 833838 (VCV000833838.15), dbSNP rs202197441, ClinGen allele CA590211.

ClinVar aggregate classification (germline): Conflicting classifications of pathogenicity. Review status: criteria provided, conflicting classifications (1 of 4 stars). 5 submissions from 5 submitters: Uncertain significance (1); Benign (1); Likely benign (3). Last evaluated 2026-09-01.

Allele frequency attached by ClinVar (database versions not stated): gnomAD 0.00003; ExAC 0.00005; TOPMed 0.00005; gnomAD exomes 0.00006; ESP Exome Variant Server 0.00015.
gnomAD v4.1: 117 of 1,614,002 alleles (0.0072%); highest among the groups gnomAD compares: Non-Finnish European, 0.0095%; no homozygotes.

Submissions (5):

CeGaT Center for Human Genetics Tuebingen
Classification: Likely benign. Last evaluated: 2026-09-01. Review status: criteria provided, single submitter. Criteria: CeGaT Center For Human Genetics Tuebingen Variant Classification Criteria Version 2. Collection method: clinical testing. Allele origin: germline. Affected: yes. Observed: 1 variant allele.
Comment: MTOR: BS1

Labcorp Genetics (formerly Invitae), Labcorp
Classification: Benign. Last evaluated: 2026-01-15. Review status: criteria provided, single submitter. Criteria: Invitae Variant Classification Sherloc (09022015). Collection method: clinical testing. Allele origin: germline.

Women's Health and Genetics/Laboratory Corporation of America, LabCorp
Classification: Likely benign. Last evaluated: 2025-12-29. Review status: criteria provided, single submitter. Criteria: LabCorp Variant Classification Summary - May 2015. Collection method: clinical testing. Allele origin: germline.
Comment: Variant summary: MTOR c.3481C>G (p.Arg1161Gly) results in a non-conservative amino acid change in the encoded protein sequence. Algorithms developed to predict the effect of missense changes on protein structure and function all suggest that this variant is likely to be disruptive. The variant allele was found at a frequency of 5.6e-05 in 251280 control chromosomes. To our knowledge, no occurrence of c.3481C>G in individuals affected with MTOR-related conditions and no experimental evidence demonstrating its impact on protein function have been reported. ClinVar contains an entry for this variant (Variation ID: 833838). Based on the evidence outlined above, the variant was classified as likely benign.

Blueprint Genetics
Classification: Likely benign. Last evaluated: 2024-04-11. Review status: criteria provided, single submitter. Criteria: ACMG Guidelines, 2015. Collection method: clinical testing. Allele origin: germline.

GeneDx
Classification: Uncertain significance. Last evaluated: 2022-01-13. Review status: criteria provided, single submitter. Criteria: GeneDx Variant Classification Process June 2021. Collection method: clinical testing. Allele origin: germline. Affected: yes.
Comment: In silico analysis supports that this missense variant has a deleterious effect on protein structure/function; Has not been previously published as pathogenic or benign to our knowledge